The following is an entry in ClinVar:

NM_203446.3(SYNJ1):c.3490C>T (p.Pro1164Ser)

Gene: SYNJ1 (synaptojanin 1; minus strand). Cytogenetic location: 21q22.11.
Variant type: single nucleotide variant.
Coding change: c.3490C>T on transcript NM_203446.3 (MANE Select); coding-DNA position 3490, C replaced by T.
Protein change: p.Pro1164Ser; replaces proline 1164 with serine.
Molecular consequence: missense variant. On other transcripts: intron variant (1).
Genome position (GRCh38, 1-based): chr21:32,642,122, G>A on the plus strand (C>T on the coding strand, the complement: SYNJ1 is on the minus strand). VCF-style: chr21-32642122-G-A. GRCh37 (hg19) VCF-style: chr21-34014432-G-A.
Other names: c.3442C>T, p.Pro1148Ser (NM_001160302.2); c.3607C>T, p.Pro1203Ser (NM_003895.4); c.3377-156C>T (NM_001160306.2); short protein forms P1148S, P1164S, P1203S.
Identifiers: ClinVar variation 1463385 (VCV001463385.3), dbSNP rs773329386, ClinGen allele CA10003375.

ClinVar aggregate classification (germline): Uncertain significance (1 of 4 stars; one submission).

Conditions:
Developmental and epileptic encephalopathy, 53. Also called: Epileptic encephalopathy, early infantile, 53. Identifiers: MedGen C4479313, MONDO:0033362, OMIM 617389.
Early-onset Parkinson disease 20. Also called: PARKINSON DISEASE 20, AUTOSOMAL RECESSIVE EARLY-ONSET. Identifiers: Orphanet 391411, MedGen C3809824, MONDO:0014233, OMIM 615530.

Allele frequency attached by ClinVar (database versions not stated): gnomAD exomes below 0.00001; ExAC 0.00001.
gnomAD v4.1: 6 of 1,613,972 alleles (0.00037%); highest among the groups gnomAD compares: Non-Finnish European, 0.00051%; no homozygotes.

Submission:

Labcorp Genetics (formerly Invitae), Labcorp
Classification: Uncertain significance for Developmental and epileptic encephalopathy, 53; Early-onset Parkinson disease 20. Last evaluated: 2021-07-31. Review status: criteria provided, single submitter. Criteria: Invitae Variant Classification Sherloc (09022015). Collection method: clinical testing. Allele origin: germline.
Comment: This sequence change replaces proline with serine at codon 1203 of the SYNJ1 protein (p.Pro1203Ser). The proline residue is moderately conserved and there is a moderate physicochemical difference between proline and serine. This variant is present in population databases (rs773329386, ExAC 0.001%). This variant has not been reported in the literature in individuals affected with SYNJ1-related conditions. Algorithms developed to predict the effect of missense changes on protein structure and function are either unavailable or do not agree on the potential impact of this missense change (SIFT: "Deleterious"; PolyPhen-2: "Possibly Damaging"; Align-GVGD: "Class C0"). In summary, the available evidence is currently insufficient to determine the role of this variant in disease. Therefore, it has been classified as a Variant of Uncertain Significance.